The following is an entry in ClinVar:

ClinVar aggregate classification (germline): Conflicting classifications of pathogenicity. Review status: criteria provided, conflicting classifications (1 of 4 stars). 5 submissions from 5 submitters: Uncertain significance (4); Likely benign (1). Last evaluated 2025-10-23.

Conditions:
Rhabdoid tumor predisposition syndrome 2 (RTPS2). Identifiers: Orphanet 231108, Orphanet 69077, MedGen C2750074, MONDO:0013224, OMIM 613325.
Hereditary cancer-predisposing syndrome. Also called: Hereditary neoplastic syndrome; Tumor predisposition; Neoplastic Syndromes, Hereditary; Hereditary Cancer Syndrome. Identifiers: Orphanet 140162, MedGen C0027672, MeSH D009386, MONDO:0015356.
Intellectual disability, autosomal dominant 16 (CSS4). Also called: COFFIN-SIRIS SYNDROME 4. Identifiers: Orphanet 1465, MedGen C3553249, MONDO:0013821, OMIM 614609.

Submissions (5):

Labcorp Genetics (formerly Invitae), Labcorp
Classification: Uncertain significance for Rhabdoid tumor predisposition syndrome 2. Last evaluated: 2025-10-23. Review status: criteria provided, single submitter. Criteria: Invitae Variant Classification Sherloc (09022015). Collection method: clinical testing. Allele origin: germline.
Comment: This sequence change replaces glutamic acid, which is acidic and polar, with glutamine, which is neutral and polar, at codon 1148 of the SMARCA4 protein (p.Glu1148Gln). This variant is not present in population databases (gnomAD no frequency). This variant has not been reported in the literature in individuals affected with SMARCA4-related conditions. ClinVar contains an entry for this variant (Variation ID: 470353). An algorithm developed to predict the effect of missense changes on protein structure and function (PolyPhen-2) suggests that this variant is likely to be tolerated. In summary, the available evidence is currently insufficient to determine the role of this variant in disease. Therefore, it has been classified as a Variant of Uncertain Significance.

GeneDx
Classification: Uncertain significance. Last evaluated: 2022-07-01. Review status: criteria provided, single submitter. Criteria: GeneDx Variant Classification Process June 2021. Collection method: clinical testing. Allele origin: germline. Affected: yes.
Comment: Not observed in large population cohorts (gnomAD); In silico analysis supports that this missense variant has a deleterious effect on protein structure/function; Has not been previously published as pathogenic or benign to our knowledge; This variant is associated with the following publications: (PMID: 24658002)

Genome-Nilou Lab
Classification: Uncertain significance for Intellectual disability, autosomal dominant 16. Last evaluated: 2021-07-15. Review status: criteria provided, single submitter. Criteria: ACMG Guidelines, 2015. Collection method: clinical testing. Allele origin: germline. Affected: no.

Ambry Genetics
Classification: Likely benign for Hereditary cancer-predisposing syndrome. Last evaluated: 2020-12-22. Review status: criteria provided, single submitter. Criteria: Ambry Variant Classification Scheme 2023. Collection method: clinical testing. Allele origin: germline.

CeGaT Center for Human Genetics Tuebingen
Classification: Uncertain significance. Last evaluated: 2019-04-01. Review status: criteria provided, single submitter. Criteria: CeGaT Center For Human Genetics Tuebingen Variant Classification Criteria Version 2. Collection method: clinical testing. Allele origin: germline. Affected: yes. Observed: 1 variant allele.

NM_003072.5(SMARCA4):c.3442G>C (p.Glu1148Gln)

Gene: SMARCA4 (SWI/SNF related BAF chromatin remodeling complex subunit ATPase 4; plus strand). Cytogenetic location: 19p13.2.
Variant type: single nucleotide variant.
Coding change: c.3442G>C on transcript NM_003072.5 (MANE Select); coding-DNA position 3442, G replaced by C.
Protein change: p.Glu1148Gln; replaces glutamic acid 1148 with glutamine.
Molecular consequence: missense variant. On other transcripts: non-coding transcript variant (1).
Genome position (GRCh38, 1-based): chr19:11,030,789, G>C. VCF-style: chr19-11030789-G-C. GRCh37 (hg19) VCF-style: chr19-11141465-G-C.
Other names: c.3442G>C, p.Glu1148Gln (NM_001128844.3, NM_001128845.2, NM_001128846.2 and 5 more transcripts); short protein forms E1148Q.
Identifiers: ClinVar variation 470353 (VCV000470353.58), dbSNP rs1555783190, ClinGen allele CA404062812.